The following is an entry in ClinVar:

ClinVar aggregate classification (germline): Uncertain significance (1 of 4 stars; one submission).

Allele frequency attached by ClinVar (database versions not stated): gnomAD exomes 0.00002; ExAC 0.00003; gnomAD 0.00003; 1000 Genomes Project 30x 0.00016; 1000 Genomes Project 0.00020.
gnomAD v4.1: 41 of 1,613,560 alleles (0.0025%); highest among the groups gnomAD compares: South Asian, 0.042%; 1 homozygote.

Submission:

Labcorp Genetics (formerly Invitae), Labcorp
Classification: Uncertain significance. Last evaluated: 2024-02-24. Review status: criteria provided, single submitter. Criteria: Invitae Variant Classification Sherloc (09022015). Collection method: clinical testing. Allele origin: germline.
Comment: This sequence change replaces glycine, which is neutral and non-polar, with serine, which is neutral and polar, at codon 113 of the PDSS2 protein (p.Gly113Ser). This variant is present in population databases (rs542264096, gnomAD 0.03%). This variant has not been reported in the literature in individuals affected with PDSS2-related conditions. ClinVar contains an entry for this variant (Variation ID: 1918757). Advanced modeling of protein sequence and biophysical properties (such as structural, functional, and spatial information, amino acid conservation, physicochemical variation, residue mobility, and thermodynamic stability) performed at Invitae indicates that this missense variant is not expected to disrupt PDSS2 protein function with a negative predictive value of 80%. In summary, the available evidence is currently insufficient to determine the role of this variant in disease. Therefore, it has been classified as a Variant of Uncertain Significance.

NM_020381.4(PDSS2):c.337G>A (p.Gly113Ser)

Gene: PDSS2 (decaprenyl diphosphate synthase subunit 2; minus strand). Cytogenetic location: 6q21.
Variant type: single nucleotide variant.
Coding change: c.337G>A on transcript NM_020381.4 (MANE Select); coding-DNA position 337, G replaced by A.
Protein change: p.Gly113Ser; replaces glycine 113 with serine.
Molecular consequence: missense variant.
Genome position (GRCh38, 1-based): chr6:107,334,292, C>T on the plus strand (G>A on the coding strand, the complement: PDSS2 is on the minus strand). VCF-style: chr6-107334292-C-T. GRCh37 (hg19) VCF-style: chr6-107655496-C-T.
Other names: short protein forms G113S.
Identifiers: ClinVar variation 1918757 (VCV001918757.4), dbSNP rs542264096, ClinGen allele CA3946144.